The following is an entry in ClinVar:

NM_001271938.2(MEGF8):c.3538G>A (p.Asp1180Asn)

Gene: MEGF8 (multiple EGF like domains 8; plus strand). Cytogenetic location: 19q13.2.
Variant type: single nucleotide variant.
Coding change: c.3538G>A on transcript NM_001271938.2 (MANE Select); coding-DNA position 3538, G replaced by A.
Protein change: p.Asp1180Asn; replaces aspartic acid 1180 with asparagine.
Molecular consequence: missense variant.
Genome position (GRCh38, 1-based): chr19:42,353,115, G>A. VCF-style: chr19-42353115-G-A. GRCh37 (hg19) VCF-style: chr19-42857267-G-A.
Other names: c.3337G>A, p.Asp1113Asn (NM_001410.3); short protein forms D1113N, D1180N.
Identifiers: ClinVar variation 4810262 (VCV004810262.1).

ClinVar aggregate classification (germline): Uncertain significance (1 of 4 stars; one submission).

Conditions:
MEGF8-related Carpenter syndrome. Also called: Carpenter syndrome 2. Identifiers: Orphanet 65759, MedGen C3554247, MONDO:0013998, OMIM 614976.

gnomAD v4.1: 1 of 1,546,166 alleles (0.000065%); highest among the groups gnomAD compares: African/African-American, 0.0014%; no homozygotes.

Submission:

Labcorp Genetics (formerly Invitae), Labcorp
Classification: Uncertain significance for MEGF8-related Carpenter syndrome. Last evaluated: 2025-09-20. Review status: criteria provided, single submitter. Criteria: Invitae Variant Classification Sherloc (09022015). Collection method: clinical testing. Allele origin: germline.
Comment: This sequence change replaces aspartic acid, which is acidic and polar, with asparagine, which is neutral and polar, at codon 1113 of the MEGF8 protein (p.Asp1113Asn). This variant is not present in population databases (gnomAD no frequency). This variant has not been reported in the literature in individuals affected with MEGF8-related conditions. An algorithm developed to predict the effect of missense changes on protein structure and function (PolyPhen-2) suggests that this variant is likely to be tolerated. In summary, the available evidence is currently insufficient to determine the role of this variant in disease. Therefore, it has been classified as a Variant of Uncertain Significance.